The following is an entry in ClinVar:

NM_000719.7(CACNA1C):c.585G>A (p.Trp195Ter)

Gene: CACNA1C (calcium voltage-gated channel subunit alpha1 C; plus strand). Cytogenetic location: 12p13.33.
Variant type: single nucleotide variant.
Coding change: c.585G>A on transcript NM_000719.7 (MANE Select); coding-DNA position 585, G replaced by A.
Protein change: p.Trp195Ter; replaces tryptophan 195 with a stop codon.
Molecular consequence: nonsense.
Genome position (GRCh38, 1-based): chr12:2,449,083, G>A. VCF-style: chr12-2449083-G-A. GRCh37 (hg19) VCF-style: chr12-2558249-G-A.
Other names: c.585G>A, p.Trp195Ter (NM_001129827.2, NM_001129829.2, NM_001129830.3 and 19 more transcripts); short protein forms W195*.
Identifiers: ClinVar variation 2102187 (VCV002102187.4), dbSNP rs1555600007, ClinGen allele CA383367502.
Genomic context (GRCh38, chr12:2,449,083, plus strand): 5'-TTTAAAAGTAATCGCCTATGGACTCCTCTTTCACCCCAATGCCTACCTCCGCAACGGCTG[G>A]AACCTACTAGATTTTATAATTGTGGTTGTGGGGTAAGTATCACTGTCTGTTTCTTTCCCT-3'

ClinVar aggregate classification (germline): Uncertain significance (1 of 4 stars; one submission).

Conditions:
Long QT syndrome (LQTS). Identifiers: MedGen C0023976, MeSH D008133, MONDO:0002442. Disease mechanism: loss of function. Inheritance: Various modes of inheritance.

Submission:

Labcorp Genetics (formerly Invitae), Labcorp
Classification: Uncertain significance for Long QT syndrome. Last evaluated: 2022-02-22. Review status: criteria provided, single submitter. Criteria: Invitae Variant Classification Sherloc (09022015). Collection method: clinical testing. Allele origin: germline.
Comment: In summary, the available evidence is currently insufficient to determine the role of this variant in disease. Therefore, it has been classified as a Variant of Uncertain Significance. This sequence change creates a premature translational stop signal (p.Trp195*) in the CACNA1C gene. It is expected to result in an absent or disrupted protein product. However, the current clinical and genetic evidence is not sufficient to establish whether loss-of-function variants in CACNA1C cause disease. This variant is not present in population databases (gnomAD no frequency). This variant has not been reported in the literature in individuals affected with CACNA1C-related conditions.